The following is an entry in ClinVar:

NM_022455.5(NSD1):c.3580_3582del (p.Asp1194del)

Gene: NSD1 (nuclear receptor binding SET domain protein 1; plus strand). Cytogenetic location: 5q35.3.
Variant type: Deletion.
Coding change: c.3580_3582del on transcript NM_022455.5 (MANE Select); coding-DNA positions 3580 to 3582, 3 bases deleted (GAC; older notation c.3580_3582delGAC).
Protein change: p.Asp1194del; deletes aspartic acid 1194.
Genome position (GRCh38, 1-based): chr5:177,211,979-177,211,981, GAC deleted. VCF-style (leftmost placement, unchanged base first): chr5-177211978-TGAC-T. GRCh37 (hg19) VCF-style: chr5-176638979-TGAC-T.
Other names: c.2707_2709del, p.Asp903del (NM_001365684.2, NM_172349.5, NM_001409306.1 and 3 more transcripts); c.3580_3582del, p.Asp1194del (NM_001409301.1, NM_001409302.1, NM_001409303.1); c.3160_3162del, p.Asp1054del (NM_001409304.1); c.2827_2829del, p.Asp943del (NM_001409305.1); short protein forms D1054del, D943del, D1194del, D903del.
Identifiers: ClinVar variation 3592029 (VCV003592029.3).

ClinVar aggregate classification (germline): Uncertain significance. Review status: criteria provided, multiple submitters, no conflicts (2 of 4 stars). 2 submissions from 2 submitters: Uncertain significance (2). Last evaluated 2024-04-17.

Conditions:
Sotos syndrome (SOTOS). Also called: Distinctive facial appearance, overgrowth in childhood, and learning disabilities or delayed development; SOTOS SYNDROME 1; CHROMOSOME 5q35 DELETION SYNDROME; CEREBRAL GIGANTISM; Sotos' syndrome. Identifiers: Orphanet 821, MedGen C0175695, MONDO:0019349, OMIM 117550.

Submissions (2):

Labcorp Genetics (formerly Invitae), Labcorp
Classification: Uncertain significance. Last evaluated: 2024-04-17. Review status: criteria provided, single submitter. Criteria: Invitae Variant Classification Sherloc (09022015). Collection method: clinical testing. Allele origin: germline.
Comment: This variant, c.3580_3582del, results in the deletion of 1 amino acid(s) of the NSD1 protein (p.Asp1194del), but otherwise preserves the integrity of the reading frame. This variant is present in population databases (rs778459398, gnomAD 0.01%). This variant has not been reported in the literature in individuals affected with NSD1-related conditions. Experimental studies and prediction algorithms are not available or were not evaluated, and the functional significance of this variant is currently unknown. In summary, the available evidence is currently insufficient to determine the role of this variant in disease. Therefore, it has been classified as a Variant of Uncertain Significance.

Fulgent Genetics
Classification: Uncertain significance for Sotos syndrome. Last evaluated: 2024-01-16. Review status: criteria provided, single submitter. Criteria: ACMG Guidelines, 2015. Collection method: clinical testing. Allele origin: germline.